The following is an entry in ClinVar:

NM_052844.4(DYNC2I2):c.1550C>T (p.Thr517Met)

Gene: DYNC2I2 (dynein 2 intermediate chain 2; minus strand). Cytogenetic location: 9q34.11.
Variant type: single nucleotide variant.
Coding change: c.1550C>T on transcript NM_052844.4 (MANE Select); coding-DNA position 1550, C replaced by T.
Protein change: p.Thr517Met; replaces threonine 517 with methionine.
Molecular consequence: missense variant.
Genome position (GRCh38, 1-based): chr9:128,633,805, G>A on the plus strand (C>T on the coding strand, the complement: DYNC2I2 is on the minus strand). VCF-style: chr9-128633805-G-A. GRCh37 (hg19) VCF-style: chr9-131396084-G-A.
Other names: c.1550C>T (NM_052844.3); short protein forms T517M.
Identifiers: ClinVar variation 1681167 (VCV001681167.7), dbSNP rs770066601, ClinGen allele CA5266160.

ClinVar aggregate classification (germline): Uncertain significance. Review status: criteria provided, multiple submitters, no conflicts (2 of 4 stars). 2 submissions from 2 submitters: Uncertain significance (2). Last evaluated 2025-08-19.

Conditions:
Inborn genetic diseases. Identifiers: MedGen C0950123, MeSH D030342.
Short-rib thoracic dysplasia 11 with or without polydactyly (SRTD11). Also called: SHORT-RIB THORACIC DYSPLASIA 11 WITHOUT POLYDACTYLY. Identifiers: Orphanet 474, Orphanet 93271, MedGen C3810200, MONDO:0014287, OMIM 615633.

Allele frequency attached by ClinVar (database versions not stated): gnomAD exomes 0.00002 and 0.00006; gnomAD 0.00003; ExAC 0.00005; TOPMed 0.00005.
gnomAD v4.1: 33 of 1,613,576 alleles (0.002%); highest among the groups gnomAD compares: Admixed American, 0.023%; no homozygotes.

Submissions (2):

Ambry Genetics
Classification: Uncertain significance for Inborn genetic diseases. Last evaluated: 2025-08-19. Review status: criteria provided, single submitter. Criteria: Ambry Variant Classification Scheme 2023. Collection method: clinical testing. Allele origin: germline.

Labcorp Genetics (formerly Invitae), Labcorp
Classification: Uncertain significance for Short-rib thoracic dysplasia 11 with or without polydactyly. Last evaluated: 2024-10-15. Review status: criteria provided, single submitter. Criteria: Invitae Variant Classification Sherloc (09022015). Collection method: clinical testing. Allele origin: germline.
Comment: This sequence change replaces threonine, which is neutral and polar, with methionine, which is neutral and non-polar, at codon 517 of the WDR34 protein (p.Thr517Met). This variant is present in population databases (rs770066601, gnomAD 0.03%). This variant has not been reported in the literature in individuals affected with WDR34-related conditions. ClinVar contains an entry for this variant (Variation ID: 1681167). An algorithm developed to predict the effect of missense changes on protein structure and function outputs the following: PolyPhen-2: "Benign". The methionine amino acid residue is found in multiple mammalian species, which suggests that this missense change does not adversely affect protein function. In summary, the available evidence is currently insufficient to determine the role of this variant in disease. Therefore, it has been classified as a Variant of Uncertain Significance.